The following is an entry in ClinVar:

ClinVar aggregate classification (germline): Uncertain significance. Review status: criteria provided, multiple submitters, no conflicts (2 of 4 stars). 2 submissions from 2 submitters: Uncertain significance (2). Last evaluated 2024-10-29.

Conditions:
Long QT syndrome (LQTS). Identifiers: MedGen C0023976, MeSH D008133, MONDO:0002442. Disease mechanism: loss of function. Inheritance: Various modes of inheritance.

Submissions (2):

ARUP Laboratories, Molecular Genetics and Genomics, ARUP Laboratories
Classification: Uncertain significance. Last evaluated: 2024-10-29. Review status: criteria provided, single submitter. Criteria: ARUP Molecular Germline Variant Investigation Process 2024. Collection method: clinical testing. Allele origin: germline.
Comment: The KCNH2 c.2599A>C; p.Met867Leu variant, to our knowledge, is not reported in the medical literature or gene specific databases. This variant is also absent from the Genome Aggregation Database (v2.1.1), indicating it is not a common polymorphism. Computational analyses are uncertain whether this variant is neutral or deleterious (REVEL: 0.684). Due to limited information, the clinical significance of this variant is uncertain at this time.

Labcorp Genetics (formerly Invitae), Labcorp
Classification: Uncertain significance for Long QT syndrome. Last evaluated: 2024-02-16. Review status: criteria provided, single submitter. Criteria: Invitae Variant Classification Sherloc (09022015). Collection method: clinical testing. Allele origin: germline.
Comment: This sequence change replaces methionine, which is neutral and non-polar, with leucine, which is neutral and non-polar, at codon 867 of the KCNH2 protein (p.Met867Leu). This variant is not present in population databases (gnomAD no frequency). This variant has not been reported in the literature in individuals affected with KCNH2-related conditions. An algorithm developed to predict the effect of missense changes on protein structure and function (PolyPhen-2) suggests that this variant is likely to be tolerated. In summary, the available evidence is currently insufficient to determine the role of this variant in disease. Therefore, it has been classified as a Variant of Uncertain Significance.

NM_000238.4(KCNH2):c.2599A>C (p.Met867Leu)

Gene: KCNH2 (potassium voltage-gated channel subfamily H member 2; minus strand). Cytogenetic location: 7q36.1.
Variant type: single nucleotide variant.
Coding change: c.2599A>C on transcript NM_000238.4 (MANE Select); coding-DNA position 2599, A replaced by C.
Protein change: p.Met867Leu; replaces methionine 867 with leucine.
Molecular consequence: missense variant. On other transcripts: non-coding transcript variant (2).
Genome position (GRCh38, 1-based): chr7:150,948,537, T>G on the plus strand (A>C on the coding strand, the complement: KCNH2 is on the minus strand). VCF-style: chr7-150948537-T-G. GRCh37 (hg19) VCF-style: chr7-150645625-T-G.
Other names: c.2311A>C, p.Met771Leu (NM_001406753.1); c.1579A>C, p.Met527Leu (NM_172057.3); short protein forms M527L, M771L, M867L.
Identifiers: ClinVar variation 3641222 (VCV003641222.3).